The following is an entry in ClinVar:

NM_003079.5(SMARCE1):c.1028-3C>T

Gene: SMARCE1 (SWI/SNF related BAF chromatin remodeling complex subunit E1; minus strand). Cytogenetic location: 17q21.2.
Variant type: single nucleotide variant.
Coding change: c.1028-3C>T on transcript NM_003079.5 (MANE Select); 3 bases into the intron before coding-DNA position 1028, C replaced by T.
Molecular consequence: intron variant.
Genome position (GRCh38, 1-based): chr17:40,628,996, G>A on the plus strand (C>T on the coding strand, the complement: SMARCE1 is on the minus strand). VCF-style: chr17-40628996-G-A. GRCh37 (hg19) VCF-style: chr17-38785248-G-A.
Identifiers: ClinVar variation 1770030 (VCV001770030.2), dbSNP rs2508592949, ClinGen allele CA2580093678.
Genomic context (GRCh38, chr17:40,628,996, plus strand): 5'-GACGTGCCTTCTTCACCATTCTGTTGGCTCTCTGTTGTTTCTTCAAGGTGTGTCTCCTCT[G>A]TAATCACACATTTGTCACTGTCAGTTCCAAGATGAAATTTTACTCTAGTTATGCTGACAG-3'

ClinVar aggregate classification (germline): Uncertain significance (1 of 4 stars; one submission).

Conditions:
Hereditary cancer-predisposing syndrome. Also called: Hereditary Cancer Syndrome; Hereditary neoplastic syndrome; Neoplastic Syndromes, Hereditary; Tumor predisposition. Identifiers: Orphanet 140162, MedGen C0027672, MeSH D009386, MONDO:0015356.

Submission:

Ambry Genetics
Classification: Uncertain significance for Hereditary cancer-predisposing syndrome. Last evaluated: 2021-11-29. Review status: criteria provided, single submitter. Criteria: Ambry Variant Classification Scheme 2023. Collection method: clinical testing. Allele origin: germline.
Comment: The c.1028-3C>T intronic variant results from a C to T substitution 3 nucleotides upstream from coding exon 10 in the SMARCE1 gene. This nucleotide position is highly conserved in available vertebrate species. In silico splice site analysis for this alteration is inconclusive; and direct evidence is insufficient at this time (Ambry internal data). Since supporting evidence is limited at this time, the clinical significance of this alteration remains unclear.